The following is an entry in ClinVar:

NM_002645.4(PIK3C2A):c.4543A>T (p.Met1515Leu)

Gene: PIK3C2A (phosphatidylinositol-4-phosphate 3-kinase catalytic subunit type 2 alpha; minus strand). Cytogenetic location: 11p15.1.
Variant type: single nucleotide variant.
Coding change: c.4543A>T on transcript NM_002645.4 (MANE Select); coding-DNA position 4543, A replaced by T.
Protein change: p.Met1515Leu; replaces methionine 1515 with leucine.
Molecular consequence: missense variant.
Genome position (GRCh38, 1-based): chr11:17,092,185, T>A on the plus strand (A>T on the coding strand, the complement: PIK3C2A is on the minus strand). VCF-style: chr11-17092185-T-A. GRCh37 (hg19) VCF-style: chr11-17113732-T-A.
Other names: c.4543A>T, p.Met1515Leu (NM_001321378.2); c.3403A>T, p.Met1135Leu (NM_001321380.2); c.4375A>T, p.Met1459Leu (NM_001386870.1); c.4543A>T (NM_002645.2); short protein forms M1135L, M1459L, M1515L.
Identifiers: ClinVar variation 1444857 (VCV001444857.5), dbSNP rs371075151, ClinGen allele CA5900513.
Genomic context (GRCh38, chr11:17,092,185, plus strand): 5'-TAAGATGTTATTACTTCTCATTTAGTAAGGTTACCTCTGCTACATCCGTTGAAGCATTCA[T>A]CAAACTCTGTAAGTAACTGTTTAACTCAATTTTCCTTTTGGCTGCTACATCTTTTATGTG-3'
Protein context (NP_002636.2, residues 1505-1525): IELNSYLQSL[Met1515Leu]NASTDVAECD

ClinVar aggregate classification (germline): Uncertain significance. Review status: criteria provided, multiple submitters, no conflicts (2 of 4 stars). 2 submissions from 2 submitters: Uncertain significance (2). Last evaluated 2023-12-19.

Allele frequency attached by ClinVar (database versions not stated): ExAC 0.00003; gnomAD 0.00003 and 0.00005; gnomAD exomes 0.00005 and 0.00006; TOPMed 0.00006; ESP Exome Variant Server 0.00008.

Submissions (2):

Labcorp Genetics (formerly Invitae), Labcorp
Classification: Uncertain significance. Last evaluated: 2023-12-19. Review status: criteria provided, single submitter. Criteria: Invitae Variant Classification Sherloc (09022015). Collection method: clinical testing. Allele origin: germline.
Comment: This sequence change replaces methionine, which is neutral and non-polar, with leucine, which is neutral and non-polar, at codon 1515 of the PIK3C2A protein (p.Met1515Leu). This variant is present in population databases (rs371075151, gnomAD 0.01%). This variant has not been reported in the literature in individuals affected with PIK3C2A-related conditions. ClinVar contains an entry for this variant (Variation ID: 1444857). Experimental studies and prediction algorithms are not available or were not evaluated, and the functional significance of this variant is currently unknown. In summary, the available evidence is currently insufficient to determine the role of this variant in disease. Therefore, it has been classified as a Variant of Uncertain Significance.

Ambry Genetics
Classification: Uncertain significance. Last evaluated: 2021-12-21. Review status: criteria provided, single submitter. Criteria: Ambry Variant Classification Scheme 2023. Collection method: clinical testing. Allele origin: germline.